The following is an entry in ClinVar:

NM_001363711.2(DUOX2):c.467G>A (p.Arg156His)

Gene: DUOX2 (dual oxidase 2; minus strand). Cytogenetic location: 15q21.1.
Variant type: single nucleotide variant.
Coding change: c.467G>A on transcript NM_001363711.2 (MANE Select); coding-DNA position 467, G replaced by A.
Protein change: p.Arg156His; replaces arginine 156 with histidine.
Molecular consequence: missense variant.
Genome position (GRCh38, 1-based): chr15:45,111,814, C>T on the plus strand (G>A on the coding strand, the complement: DUOX2 is on the minus strand). VCF-style: chr15-45111814-C-T. GRCh37 (hg19) VCF-style: chr15-45404012-C-T.
Other names: c.467G>A (NM_014080.4); c.467G>A, p.Arg156His (NM_014080.5); short protein forms R156H.
Identifiers: ClinVar variation 3626991 (VCV003626991.3).

ClinVar aggregate classification (germline): Uncertain significance. Review status: criteria provided, multiple submitters, no conflicts (2 of 4 stars). 2 submissions from 2 submitters: Uncertain significance (2). Last evaluated 2025-01-22.

Conditions:
Inborn genetic diseases. Identifiers: MedGen C0950123, MeSH D030342.

Submissions (2):

Ambry Genetics
Classification: Uncertain significance for Inborn genetic diseases. Last evaluated: 2025-01-22. Review status: criteria provided, single submitter. Criteria: Ambry Variant Classification Scheme 2023. Collection method: clinical testing. Allele origin: germline.

Labcorp Genetics (formerly Invitae), Labcorp
Classification: Uncertain significance. Last evaluated: 2024-10-10. Review status: criteria provided, single submitter. Criteria: Invitae Variant Classification Sherloc (09022015). Collection method: clinical testing. Allele origin: germline.
Comment: This sequence change replaces arginine, which is basic and polar, with histidine, which is basic and polar, at codon 156 of the DUOX2 protein (p.Arg156His). This variant is present in population databases (no rsID available, gnomAD 0.003%). This variant has not been reported in the literature in individuals affected with DUOX2-related conditions. Invitae Evidence Modeling of protein sequence and biophysical properties (such as structural, functional, and spatial information, amino acid conservation, physicochemical variation, residue mobility, and thermodynamic stability) indicates that this missense variant is not expected to disrupt DUOX2 protein function with a negative predictive value of 80%. In summary, the available evidence is currently insufficient to determine the role of this variant in disease. Therefore, it has been classified as a Variant of Uncertain Significance.